The following is an entry in ClinVar:

NM_002122.5(HLA-DQA1):c.53T>C (p.Met18Thr)

Gene: HLA-DQA1 (major histocompatibility complex, class II, DQ alpha 1; plus strand). Cytogenetic location: 6p21.32.
Variant type: single nucleotide variant.
Coding change: c.53T>C on transcript NM_002122.5 (MANE Select); coding-DNA position 53, T replaced by C.
Protein change: p.Met18Thr; replaces methionine 18 with threonine.
Molecular consequence: missense variant.
Genome position (GRCh38, 1-based): chr6:32,637,511, T>C. VCF-style: chr6-32637511-T-C. GRCh37 (hg19) VCF-style: chr6-32605288-T-C.
Other names: short protein forms M18T.
Identifiers: ClinVar variation 3341556 (VCV003341556.16).

ClinVar aggregate classification (germline): Likely benign (1 of 4 stars; one submission).

Submission:

CeGaT Center for Human Genetics Tuebingen
Classification: Likely benign. Last evaluated: 2024-12-01. Review status: criteria provided, single submitter. Criteria: CeGaT Center For Human Genetics Tuebingen Variant Classification Criteria Version 2. Collection method: clinical testing. Allele origin: germline. Affected: yes. Observed: 2 variant alleles.
Comment: HLA-DQA1: BP4, BS2